The following is an entry in ClinVar:

ClinVar aggregate classification (germline): Likely pathogenic (1 of 4 stars; one submission).

Conditions:
Succinyl-CoA acetoacetate transferase deficiency (SCOTD). Also called: SCOT DEFICIENCY; SUCCINYL-CoA:3-KETOACID CoA-TRANSFERASE DEFICIENCY; 3-Oxoacid CoA Transferase Deficiency; KETOACIDOSIS DUE TO SCOT DEFICIENCY; Succinyl CoA:3-oxoacid CoA transferase deficiency. Identifiers: Orphanet 832, MedGen C0342792, MONDO:0009492, OMIM 245050.

Submission:

Dubai Health Genomic Medicine Center, Dubai Health
Classification: Likely pathogenic for Succinyl CoA:3-oxoacid CoA transferase deficiency. Last evaluated: 2024-10-04. Review status: criteria provided, single submitter. Criteria: ACMG Guidelines, 2015. Collection method: research. Allele origin: germline. Affected: yes.
Comment: PVS1,PM2

NM_000436.4(OXCT1):c.1286dup (p.Leu429fs)

Gene: OXCT1 (3-oxoacid CoA-transferase 1; minus strand). Cytogenetic location: 5p13.1.
Variant type: Duplication.
Coding change: c.1286dup on transcript NM_000436.4 (MANE Select); coding-DNA position 1286, one base duplicated (T; older notation c.1286dupT).
Protein change: p.Leu429fs; shifts the reading frame from leucine 429.
Molecular consequence: frameshift variant. On other transcripts: non-coding transcript variant (1), intron variant (1).
Genome position (GRCh38, 1-based): chr5:41,762,163, A duplicated on the plus strand (T on the coding strand, the reverse complement: OXCT1 is on the minus strand); the first of 3 consecutive A bases (chr5:41,762,163-41,762,165); duplicating any one gives the same sequence. VCF-style (leftmost placement, unchanged base first): chr5-41762162-T-TA. GRCh37 (hg19) VCF-style: chr5-41762264-T-TA.
Other names: c.1307dup, p.Leu436fs (NM_001364299.2, NM_001364300.2); c.1280dup, p.Leu427fs (NM_001364301.2); c.728dup, p.Leu243fs (NM_001364303.2); c.1249-12556dup (NM_001364302.2); short protein forms L243fs, L427fs, L429fs, L436fs.
Identifiers: ClinVar variation 3384092 (VCV003384092.1).
Genomic context (GRCh38, chr5:41,762,162, plus strand): 5'-ACATGTTACCTTTGCAGAATGCTCCATGGTGACCACCACTTTGGTTTTCGCACTGGACAC[T>TA]AAATCCATAGCACCTCCCATTCCTTTCACCATCTTCCCCTGCAAAACAAAAAATAAATAG-3'